The following is an entry in ClinVar:

NM_014738.6(TMEM94):c.3733+8G>A

Gene: TMEM94 (transmembrane protein 94; plus strand). Cytogenetic location: 17q25.1.
Variant type: single nucleotide variant.
Coding change: c.3733+8G>A on transcript NM_014738.6 (MANE Select); 8 bases into the intron after coding-DNA position 3733, G replaced by A.
Molecular consequence: intron variant.
Genome position (GRCh38, 1-based): chr17:75,498,546, G>A. VCF-style: chr17-75498546-G-A. GRCh37 (hg19) VCF-style: chr17-73494627-G-A.
Other names: c.3733+8G>A (NM_001438841.1); c.3775+8G>A (NM_001438842.1, NM_001438843.1); c.3745+8G>A (NM_001321149.2); c.3742+8G>A (NM_001438845.1); c.3646+8G>A (NM_001438848.1); c.3763+8G>A (NM_001438844.1, NM_001321148.2); c.3655+8G>A (NM_001438847.1); c.3685+8G>A (NM_001351202.2); and 2 more.
Identifiers: ClinVar variation 4978319 (VCV004978319.1).

ClinVar aggregate classification (germline): Likely benign (1 of 4 stars; one submission).

Conditions:
TMEM94-related disorder. Also called: TMEM94-related condition.

gnomAD v4.1: 7 of 1,611,718 alleles (0.00043%); highest among the groups gnomAD compares: Admixed American, 0.01%; no homozygotes.

Submission:

PreventionGenetics, part of Exact Sciences
Classification: Likely benign for TMEM94-related condition. Last evaluated: 2025-02-14. Review status: criteria provided, single submitter. Criteria: ACMG Guidelines, 2015. Collection method: clinical testing. Allele origin: germline.
Comment: This variant is classified as likely benign based on ACMG/AMP sequence variant interpretation guidelines (Richards et al. 2015 PMID: 25741868, with internal and published modifications).